The following is an entry in ClinVar:

ClinVar aggregate classification (germline): Uncertain significance. Review status: criteria provided, multiple submitters, no conflicts (2 of 4 stars). 2 submissions from 2 submitters: Uncertain significance (2). Last evaluated 2024-09-22.

Conditions:
Epilepsy, idiopathic generalized, susceptibility to, 14 (EIG14). Identifiers: MedGen C4225245, MONDO:0014734, OMIM 616685.
Developmental and epileptic encephalopathy, 34 (DEE34). Also called: SLC12A5-Related Epilepsy of Infancy with Migrating Focal Seizures; Early infantile epileptic encephalopathy 34. Identifiers: Orphanet 293181, MedGen C4225257, MONDO:0014718, OMIM 616645.

Allele frequency attached by ClinVar (database versions not stated): ExAC 0.00004; 1000 Genomes Project 30x 0.00016; 1000 Genomes Project 0.00020; gnomAD 0.00001 and 0.00002; gnomAD exomes 0.00001 and 0.00002; TOPMed 0.00001.

Submissions (2):

Genomic Medicine Center of Excellence, King Faisal Specialist Hospital and Research Centre
Classification: Uncertain significance for Epilepsy, idiopathic generalized, susceptibility to, 14. Last evaluated: 2024-09-22. Review status: criteria provided, single submitter. Criteria: ACMG Guidelines, 2015. Collection method: clinical testing. Allele origin: germline.

Labcorp Genetics (formerly Invitae), Labcorp
Classification: Uncertain significance for Developmental and epileptic encephalopathy, 34. Last evaluated: 2021-09-24. Review status: criteria provided, single submitter. Criteria: Invitae Variant Classification Sherloc (09022015). Collection method: clinical testing. Allele origin: germline.
Comment: This sequence change replaces aspartic acid with asparagine at codon 33 of the SLC12A5 protein (p.Asp33Asn). The aspartic acid residue is moderately conserved and there is a small physicochemical difference between aspartic acid and asparagine. This variant is present in population databases (rs534826231, ExAC 0.03%). This variant has not been reported in the literature in individuals with SLC12A5-related conditions. Advanced modeling of protein sequence and biophysical properties (such as structural, functional, and spatial information, amino acid conservation, physicochemical variation, residue mobility, and thermodynamic stability) performed at Invitae indicates that this missense variant is not expected to disrupt SLC12A5 protein function. In summary, the available evidence is currently insufficient to determine the role of this variant in disease. Therefore, it has been classified as a Variant of Uncertain Significance.

NM_020708.5(SLC12A5):c.97G>A (p.Asp33Asn)

Gene: SLC12A5 (solute carrier family 12 member 5; plus strand). Cytogenetic location: 20q13.12.
Variant type: single nucleotide variant.
Coding change: c.97G>A on transcript NM_020708.5 (MANE Select); coding-DNA position 97, G replaced by A.
Protein change: p.Asp33Asn; replaces aspartic acid 33 with asparagine.
Molecular consequence: missense variant.
Genome position (GRCh38, 1-based): chr20:46,034,992, G>A. VCF-style: chr20-46034992-G-A. GRCh37 (hg19) VCF-style: chr20-44663631-G-A.
Other names: c.166G>A, p.Asp56Asn (NM_001134771.2); short protein forms D56N, D33N.
Identifiers: ClinVar variation 1431784 (VCV001431784.6), dbSNP rs534826231, ClinGen allele CA9886955.